The following is an entry in ClinVar:

ClinVar aggregate classification (germline): Benign/Likely benign. Review status: criteria provided, multiple submitters, no conflicts (2 of 4 stars). 8 submissions from 6 submitters: Benign (7); Likely benign (1). Last evaluated 2026-02-01.

Conditions:
Paroxysmal extreme pain disorder (PEXPD). Also called: SCN9A Paroxysmal Extreme Pain Disorder (SCN9A-PEPD); PAIN, SUBMANDIBULAR, OCULAR, AND RECTAL, WITH FLUSHING; RECTAL PAIN, FAMILIAL. Identifiers: Orphanet 46348, MedGen C1833661, MONDO:0008179, OMIM 167400.
Neuropathy, hereditary sensory and autonomic, type 2A (HSAN2A). Also called: WNK1-Related HSAN2 (HSAN2A); ACROOSTEOLYSIS, GIACCAI TYPE; ACROOSTEOLYSIS, NEUROGENIC; NEUROPATHY, CONGENITAL SENSORY; NEUROPATHY, HEREDITARY SENSORY RADICULAR, AUTOSOMAL RECESSIVE; NEUROPATHY, HEREDITARY SENSORY, TYPE IIA. Identifiers: Orphanet 970, MedGen C2752089, MONDO:0024309, OMIM 201300.
Generalized epilepsy with febrile seizures plus, type 7 (GEFSP7). Also called: GEFS+, TYPE 7. Identifiers: Orphanet 36387, MedGen C2751778, MONDO:0013470, OMIM 613863.
Channelopathy-associated congenital insensitivity to pain, autosomal recessive. Also called: ASYMBOLIA FOR PAIN; CONGENITAL ANALGESIA, AUTOSOMAL RECESSIVE; Insensitivity to pain, channelopathy-associated. Identifiers: Orphanet 88642, Orphanet 970, MedGen C1855739, MONDO:0009459, OMIM 243000.
Primary erythromelalgia. Also called: SCN9A Erythromelalgia (SCN9A-EM); primary erythermalgia. Identifiers: Orphanet 306577, Orphanet 90026, MedGen C0014805, MONDO:0007571, OMIM 133020.

Allele frequency attached by ClinVar (database versions not stated): gnomAD 0.00003 and 0.00078; TOPMed 0.00015; gnomAD exomes 0.00131 and 0.00268; ExAC 0.00293; 1000 Genomes Project 30x 0.00593; 1000 Genomes Project 0.00599.
gnomAD v4.1: 2,029 of 1,612,946 alleles (0.13%); highest among the groups gnomAD compares: South Asian, 2.1%; 40 homozygotes.

Submissions (8):

Labcorp Genetics (formerly Invitae), Labcorp
Classification: Benign for Neuropathy, hereditary sensory and autonomic, type 2A; Generalized epilepsy with febrile seizures plus, type 7. Last evaluated: 2026-02-01. Review status: criteria provided, single submitter. Criteria: Invitae Variant Classification Sherloc (09022015). Collection method: clinical testing. Allele origin: germline.

Women's Health and Genetics/Laboratory Corporation of America, LabCorp
Classification: Likely benign. Last evaluated: 2025-03-14. Review status: criteria provided, single submitter. Criteria: LabCorp Variant Classification Summary - May 2015. Collection method: clinical testing. Allele origin: germline.

CeGaT Center for Human Genetics Tuebingen
Classification: Benign. Last evaluated: 2025-03-01. Review status: criteria provided, single submitter. Criteria: CeGaT Center For Human Genetics Tuebingen Variant Classification Criteria Version 2. Collection method: clinical testing. Allele origin: germline. Affected: yes. Observed: 2 variant alleles.
Comment: SCN9A: BS1, BS2

GeneDx
Classification: Benign. Last evaluated: 2021-08-26. Review status: criteria provided, single submitter. Criteria: GeneDx Variant Classification Process June 2021. Collection method: clinical testing. Allele origin: germline. Affected: yes.
Comment: This variant is associated with the following publications: (PMID: 29176367)

Illumina Laboratory Services, Illumina
Classification: Benign for Channelopathy-associated congenital insensitivity to pain, autosomal recessive. Last evaluated: 2018-01-13. Review status: criteria provided, single submitter. Criteria: ICSL Variant Classification Criteria 13 December 2019. Collection method: clinical testing. Allele origin: germline.
Comment: This variant was observed in the ICSL laboratory as part of a predisposition screen in an ostensibly healthy population. It had not been previously curated by ICSL or reported in the Human Gene Mutation Database (HGMD: prior to June 1st, 2018), and was therefore a candidate for classification through an automated scoring system. Utilizing variant allele frequency, disease prevalence and penetrance estimates, and inheritance mode, an automated score was calculated to assess if this variant is too frequent to cause the disease. Based on the score and internal cut-off values, a variant classified as benign is not then subjected to further curation. The score for this variant resulted in a classification of benign for this disease.

Illumina Laboratory Services, Illumina
Classification: Benign for Primary erythromelalgia. Last evaluated: 2018-01-13. Review status: criteria provided, single submitter. Criteria: ICSL Variant Classification Criteria 13 December 2019. Collection method: clinical testing. Allele origin: germline.
Comment: the same text as in the submission from Illumina Laboratory Services, Illumina above.

Illumina Laboratory Services, Illumina
Classification: Benign for Paroxysmal extreme pain disorder. Last evaluated: 2018-01-13. Review status: criteria provided, single submitter. Criteria: ICSL Variant Classification Criteria 13 December 2019. Collection method: clinical testing. Allele origin: germline.
Comment: the same text as in the submission from Illumina Laboratory Services, Illumina above.

Center for Pediatric Genomic Medicine, Children's Mercy Hospital and Clinics
Classification: Benign. Last evaluated: 2016-09-20. Review status: criteria provided, single submitter. Criteria: ACMG Guidelines, 2015. Collection method: clinical testing. Allele origin: germline.

NM_001365536.1(SCN9A):c.2437A>G (p.Ser813Gly)

Genes: SCN1A-AS1 (SCN1A and SCN9A antisense RNA 1; plus strand), SCN9A (sodium voltage-gated channel alpha subunit 9; minus strand). Cytogenetic location: 2q24.3.
Variant type: single nucleotide variant.
Coding change: c.2437A>G on transcript NM_001365536.1 (MANE Select); coding-DNA position 2437, A replaced by G.
Protein change: p.Ser813Gly; replaces serine 813 with glycine.
Molecular consequence: missense variant.
Genome position (GRCh38, 1-based): chr2:166,278,220, T>C on the plus strand (A>G on the coding strand, the complement: SCN9A is on the minus strand). VCF-style: chr2-166278220-T-C. GRCh37 (hg19) VCF-style: chr2-167134730-T-C.
Other names: c.2404A>G, p.Ser802Gly (NM_002977.4); short protein forms S802G, S813G.
Identifiers: ClinVar variation 331982 (VCV000331982.43), dbSNP rs201890240, ClinGen allele CA1944275.